The following is an entry in ClinVar:

ClinVar aggregate classification (germline): Benign. Review status: criteria provided, multiple submitters, no conflicts (2 of 4 stars). 13 submissions from 11 submitters: Benign (12). 1 of the submissions does not count toward it. Last evaluated 2026-02-04.

Conditions:
Congenital myasthenic syndrome (CMS). Also called: Congenital Myasthenic Syndromes. Identifiers: Orphanet 590, MedGen C0751882, MeSH D020294, MONDO:0018940.
Congenital myasthenic syndrome 4A. Also called: Myasthenic syndrome, congenital, 4a, slow-channel; CONGENITAL MYASTHENIC SYNDROME TYPE Ia1; MYASTHENIC SYNDROME, CONGENITAL, 4A, SLOW-CHANNEL, AUTOSOMAL RECESSIVE. Identifiers: Orphanet 590, MedGen C4225413, MONDO:0011600, OMIM 605809.
Congenital myasthenic syndrome 4C (CMS4C). Also called: Myasthenic syndrome, congenital, associated with acetylcholine receptor deficiency. Identifiers: Orphanet 590, MedGen C1837091, MONDO:0012157, OMIM 608931.
Congenital myasthenic syndrome 4B. Also called: Myasthenic syndrome, congenital, 4b, fast-channel. Identifiers: Orphanet 590, MedGen C4225369, MONDO:0014586, OMIM 616324.

Allele frequency attached by ClinVar (database versions not stated): gnomAD exomes 0.13979 and 0.14629; ExAC 0.18045; gnomAD 0.18207 and 0.18524; ESP Exome Variant Server 0.18732; 1000 Genomes Project 0.19129; 1000 Genomes Project 30x 0.19160; TOPMed 0.19206.
gnomAD v4.1: 231,932 of 1,609,810 alleles (14%); highest among the groups gnomAD compares: African/African-American, 30%; 18,126 homozygotes.

Submissions (13):

Labcorp Genetics (formerly Invitae), Labcorp
Classification: Benign for Congenital myasthenic syndrome 4A. Last evaluated: 2026-02-04. Review status: criteria provided, single submitter. Criteria: Invitae Variant Classification Sherloc (09022015). Collection method: clinical testing. Allele origin: germline.

Women's Health and Genetics/Laboratory Corporation of America, LabCorp
Classification: Benign. Last evaluated: 2025-06-23. Review status: criteria provided, single submitter. Criteria: LabCorp Variant Classification Summary - May 2015. Collection method: clinical testing. Allele origin: germline.

Blueprint Genetics
Classification: Benign. Last evaluated: 2024-11-28. Review status: criteria provided, single submitter. Criteria: ACMG Guidelines, 2015. Collection method: clinical testing. Allele origin: germline.

Genome-Nilou Lab
Classification: Benign for Congenital myasthenic syndrome 4A. Last evaluated: 2021-07-10. Review status: criteria provided, single submitter. Criteria: ACMG Guidelines, 2015. Collection method: clinical testing. Allele origin: germline. Affected: no.

Genome-Nilou Lab
Classification: Benign for Congenital myasthenic syndrome 4B. Last evaluated: 2021-07-10. Review status: criteria provided, single submitter. Criteria: ACMG Guidelines, 2015. Collection method: clinical testing. Allele origin: germline. Affected: no.

Genome-Nilou Lab
Classification: Benign for Congenital myasthenic syndrome 4C. Last evaluated: 2021-07-10. Review status: criteria provided, single submitter. Criteria: ACMG Guidelines, 2015. Collection method: clinical testing. Allele origin: germline. Affected: no.

Illumina Laboratory Services, Illumina
Classification: Benign for Congenital myasthenic syndrome. Last evaluated: 2018-01-13. Review status: criteria provided, single submitter. Criteria: ICSL Variant Classification Criteria 13 December 2019. Collection method: clinical testing. Allele origin: germline.
Comment: This variant was observed in the ICSL laboratory as part of a predisposition screen in an ostensibly healthy population. It had not been previously curated by ICSL or reported in the Human Gene Mutation Database (HGMD: prior to June 1st, 2018), and was therefore a candidate for classification through an automated scoring system. Utilizing variant allele frequency, disease prevalence and penetrance estimates, and inheritance mode, an automated score was calculated to assess if this variant is too frequent to cause the disease. Based on the score and internal cut-off values, a variant classified as benign is not then subjected to further curation. The score for this variant resulted in a classification of benign for this disease.

Mayo Clinic Laboratories, Mayo Clinic
Classification: Benign. Last evaluated: 2017-07-18. Review status: criteria provided, single submitter. Criteria: ACMG Guidelines, 2015. Collection method: clinical testing. Allele origin: germline. Observed: 124 variant alleles.

GeneDx
Classification: Benign. Last evaluated: 2016-04-07. Review status: criteria provided, single submitter. Criteria: GeneDx Variant Classification (06012015). Collection method: clinical testing. Allele origin: germline. Affected: yes.
Comment: This variant is considered likely benign or benign based on one or more of the following criteria: it is a conservative change, it occurs at a poorly conserved position in the protein, it is predicted to be benign by multiple in silico algorithms, and/or has population frequency not consistent with disease.

Genetic Services Laboratory, University of Chicago
Classification: Benign for AllHighlyPenetrant. Last evaluated: 2013-08-15. Review status: criteria provided, single submitter. Criteria: ACMG Guidelines, 2007. Collection method: clinical testing. Allele origin: germline.

Breakthrough Genomics
Classification: Benign. Review status: criteria provided, single submitter. Criteria: ACMG Guidelines, 2015. Collection method: not provided. Allele origin: germline. Inheritance: Autosomal recessive inheritance. Affected: yes.

PreventionGenetics, part of Exact Sciences
Classification: Benign. Review status: criteria provided, single submitter. Criteria: ACMG Guidelines, 2015. Collection method: clinical testing. Allele origin: germline.

Natera, Inc.
Classification: Benign for Congenital myasthenic syndrome. Last evaluated: 2020-09-16. Review status: no assertion criteria provided. Collection method: clinical testing. Allele origin: germline. Not counted in ClinVar's aggregate classification.

NM_000080.4(CHRNE):c.1293C>T (p.Ala431=)

Gene: CHRNE (cholinergic receptor nicotinic epsilon subunit; minus strand). Cytogenetic location: 17p13.2.
Variant type: single nucleotide variant.
Coding change: c.1293C>T on transcript NM_000080.4 (MANE Select); coding-DNA position 1293, C replaced by T.
Protein change: p.Ala431=; no amino-acid change (alanine 431 retained).
Molecular consequence: synonymous variant.
Genome position (GRCh38, 1-based): chr17:4,899,034, G>A on the plus strand (C>T on the coding strand, the complement: CHRNE is on the minus strand). VCF-style: chr17-4899034-G-A. GRCh37 (hg19) VCF-style: chr17-4802329-G-A.
Other names: p.Ala431=; c.1293C>T, p.Ala431= (LRG_1254t1).
Identifiers: ClinVar variation 128762 (VCV000128762.26), dbSNP rs33978919, ClinGen allele CA152407.
Genomic context (GRCh38, chr17:4,899,034, plus strand): 5'-TCCACCCGCCTCTGGCTCCTGTCCCACCTCGCCGGTGGCCTCCTGATCTCTCGTGCTCTC[G>A]GCCACGAAGTTCACGGCATCCACACAGCAGCGGACCTCGGGGGCGGCGGCGCCCAGGCTC-3'
Protein context (NP_000071.1, residues 421-441): RCCVDAVNFV[Ala431=]ESTRDQEATG